The following is an entry in ClinVar:

NM_025099.6(CTC1):c.3266G>A (p.Arg1089Lys)

Gene: CTC1 (CST telomere replication complex component 1; minus strand). Cytogenetic location: 17p13.1.
Variant type: single nucleotide variant.
Coding change: c.3266G>A on transcript NM_025099.6 (MANE Select); coding-DNA position 3266, G replaced by A.
Protein change: p.Arg1089Lys; replaces arginine 1089 with lysine.
Molecular consequence: missense variant. On other transcripts: non-coding transcript variant (1), intron variant (1).
Genome position (GRCh38, 1-based): chr17:8,228,848, C>T on the plus strand (G>A on the coding strand, the complement: CTC1 is on the minus strand). VCF-style: chr17-8228848-C-T. GRCh37 (hg19) VCF-style: chr17-8132166-C-T.
Other names: c.3266G>A (NM_025099.5); c.3157-219G>A (NM_001411067.1); short protein forms R1089K.
Identifiers: ClinVar variation 2993366 (VCV002993366.4), dbSNP rs2507865449, ClinGen allele CA397969354.

ClinVar aggregate classification (germline): Uncertain significance. Review status: criteria provided, multiple submitters, no conflicts (2 of 4 stars). 2 submissions from 2 submitters: Uncertain significance (2). Last evaluated 2025-07-24.

Conditions:
Dyskeratosis congenita. Identifiers: Orphanet 1775, MedGen C0265965, MONDO:0015780.

Allele frequency attached by ClinVar (database versions not stated): gnomAD exomes below 0.00001.
gnomAD v4.1: 3 of 1,613,994 alleles (0.00019%); highest among the groups gnomAD compares: Non-Finnish European, 0.00025%; no homozygotes.

Submissions (2):

GeneDx
Classification: Uncertain significance. Last evaluated: 2025-07-24. Review status: criteria provided, single submitter. Criteria: GeneDx Variant Classification Process June 2021. Collection method: clinical testing. Allele origin: germline. Affected: yes.
Comment: Not observed at significant frequency in large population cohorts (gnomAD); In silico analysis suggests that this missense variant does not alter protein structure/function; Has not been previously published as pathogenic or benign to our knowledge

Labcorp Genetics (formerly Invitae), Labcorp
Classification: Uncertain significance for Dyskeratosis congenita. Last evaluated: 2023-11-28. Review status: criteria provided, single submitter. Criteria: Invitae Variant Classification Sherloc (09022015). Collection method: clinical testing. Allele origin: germline.
Comment: This sequence change replaces arginine, which is basic and polar, with lysine, which is basic and polar, at codon 1089 of the CTC1 protein (p.Arg1089Lys). This variant is not present in population databases (gnomAD no frequency). This variant has not been reported in the literature in individuals affected with CTC1-related conditions. Advanced modeling of protein sequence and biophysical properties (such as structural, functional, and spatial information, amino acid conservation, physicochemical variation, residue mobility, and thermodynamic stability) performed at Invitae indicates that this missense variant is not expected to disrupt CTC1 protein function with a negative predictive value of 80%. Algorithms developed to predict the effect of sequence changes on RNA splicing suggest that this variant may create or strengthen a splice site. In summary, the available evidence is currently insufficient to determine the role of this variant in disease. Therefore, it has been classified as a Variant of Uncertain Significance.